The following is an entry in ClinVar:

ClinVar aggregate classification (germline): Uncertain significance (1 of 4 stars; one submission).

Conditions:
Microcephaly 1, primary, autosomal recessive (MCPH1). Also called: PREMATURE CHROMOSOME CONDENSATION SYNDROME; PCC SYNDROME; PREMATURE CHROMOSOME CONDENSATION WITH MICROCEPHALY AND MENTAL RETARDATION. Identifiers: Orphanet 2512, MedGen C1855081, MONDO:0009617, OMIM 251200.

gnomAD v4.1: 2 of 1,612,626 alleles (0.00012%); highest among the groups gnomAD compares: Non-Finnish European, 0.00017%; no homozygotes.

Submission:

Myriad Genetics, Inc.
Classification: Uncertain significance for Microcephaly 1, primary, autosomal recessive. Last evaluated: 2026-07-06. Review status: criteria provided, single submitter. Criteria: Myriad Autosomal Dominant, Autosomal Recessive and X-Linked Classification Criteria (2023). Collection method: clinical testing. Allele origin: unknown.
Comment: NM_024596.3(MCPH1):c.2137-2A>G is a variant in a canonical splice site classified as a variant of uncertain significance in the context of primary microcephaly, MCPH1-related. c.2137-2A>G has not been observed in cases with relevant disease. Relevant functional assessments of this variant are not available in the literature. c.2137-2A>G has not been observed in referenced population frequency databases. In summary, there is insufficient evidence to classify NM_024596.3(MCPH1):c.2137-2A>G as pathogenic or benign. Please note: this variant was assessed in the context of healthy population screening.

NM_024596.5(MCPH1):c.2137-2A>G

Genes: ANGPT2 (angiopoietin 2; minus strand), MCPH1 (microcephalin 1; plus strand). Cytogenetic location: 8p23.1.
Variant type: single nucleotide variant.
Coding change: c.2137-2A>G on transcript NM_024596.5 (MANE Select); the canonical splice acceptor site of the intron before coding-DNA position 2137, A replaced by G.
Molecular consequence: splice acceptor variant. On other transcripts: 3 prime UTR variant (6), intron variant (1).
Genome position (GRCh38, 1-based): chr8:6,499,850, A>G. VCF-style: chr8-6499850-A-G. GRCh37 (hg19) VCF-style: chr8-6357371-A-G.
Other names: c.*3251T>C (NM_001118887.2, NM_001118888.2, NM_001147.3 and 1 more transcripts); c.*3399T>C (NM_001386336.1, NM_001386337.1); c.2137-2A>G (NM_001322042.2, NM_001363979.1, NM_001410917.1 and 1 more transcripts); c.1935+44598A>G (NM_001363980.2).
Identifiers: ClinVar variation 5004768 (VCV005004768.1).